The following is an entry in ClinVar:

ClinVar aggregate classification (germline): Pathogenic/Likely pathogenic. Review status: criteria provided, multiple submitters, no conflicts (2 of 4 stars). 15 submissions from 14 submitters: Pathogenic (12); Likely pathogenic (1). 2 of the submissions do not count toward it. Last evaluated 2026-09-15.

Conditions:
Joubert syndrome and related disorders. Identifiers: Orphanet 140874, MedGen C5679612, MONDO:0015369.
Nephronophthisis 11 (NPHP11). Identifiers: Orphanet 84081, MedGen C3150796, MONDO:0013302, OMIM 613550.
RHYNS syndrome. Also called: RETINITIS PIGMENTOSA SYNDROME; RETINITIS PIGMENTOSA, HYPOPITUITARISM, NEPHRONOPHTHISIS, AND MILD SKELETAL DYSPLASIA. Identifiers: Orphanet 140976, MedGen C1865794, MONDO:0011202, OMIM 602152.
Joubert syndrome 6 (JBTS6). Identifiers: Orphanet 475, MedGen C1853153, MONDO:0012539, OMIM 610688.
COACH syndrome 1. Identifiers: Orphanet 1454, MedGen C5435651, MONDO:0800103, OMIM 216360, MONDO:0008996.
TMEM67-related disorder. Also called: TMEM67-related condition; TMEM67-related disorders. Identifiers: MedGen CN239423.
Bardet-Biedl syndrome 14 (BBS14). Identifiers: Orphanet 110, MedGen C2673874, MONDO:0014442, OMIM 615991.
Meckel syndrome, type 3 (MKS3). Also called: MECKEL-GRUBER SYNDROME, TYPE 3. Identifiers: Orphanet 564, MedGen C1846357, MONDO:0011821, OMIM 607361.
Meckel-Gruber syndrome. Also called: DYSENCEPHALIA SPLANCHNOCYSTICA; GRUBER SYNDROME; Dysencephalia splachnocystica. Identifiers: Orphanet 564, MedGen C0265215, MONDO:0018921.
Joubert syndrome. Also called: JOUBERT-BOLTSHAUSER SYNDROME; Familial aplasia of the vermis. Identifiers: Orphanet 475, MedGen C5979921, MONDO:0018772.

Allele frequency attached by ClinVar (database versions not stated): ExAC 0.00003; gnomAD exomes 0.00004 and 0.00011; TOPMed 0.00005; ESP Exome Variant Server 0.00008; gnomAD 0.00008 and 0.00009.
gnomAD v4.1: 166 of 1,613,022 alleles (0.01%); highest among the groups gnomAD compares: Non-Finnish European, 0.013%; 1 homozygote.

Submissions (15):

PreventionGenetics, part of Exact Sciences
Classification: Pathogenic for TMEM67-related condition. Last evaluated: 2026-09-15. Review status: criteria provided, single submitter. Criteria: ACMG Guidelines, 2015. Collection method: clinical testing. Allele origin: germline.
Comment: The TMEM67 c.2498T>C variant is predicted to result in the amino acid substitution p.Ile833Thr. This variant has been reported in the compound heterozygous state in many individuals with Joubert or COACH syndrome (Brancati et al. 2009. PubMed ID: 19058225; Doherty et al. 2009. PubMed ID: 19574260; Supplementary Table S8, Chaki et al. 2011. PubMed ID: 21866095; Kroes et al. 2016. PubMed ID: 25920555). This variant is reported in 0.0093% of alleles in individuals of European (non-Finnish) descent in gnomAD. This variant is interpreted as pathogenic.

Labcorp Genetics (formerly Invitae), Labcorp
Classification: Pathogenic for Joubert syndrome; Meckel-Gruber syndrome. Last evaluated: 2026-02-01. Review status: criteria provided, single submitter. Criteria: Invitae Variant Classification Sherloc (09022015). Collection method: clinical testing. Allele origin: germline.
Comment: This sequence change replaces isoleucine, which is neutral and non-polar, with threonine, which is neutral and polar, at codon 833 of the TMEM67 protein (p.Ile833Thr). This variant is present in population databases (rs267607119, gnomAD 0.008%). This missense change has been observed in individual(s) with Joubert syndrome (PMID: 19058225, 21866095, 26092869, 28497568, 28973083). It has also been observed to segregate with disease in related individuals. ClinVar contains an entry for this variant (Variation ID: 1378). Invitae Evidence Modeling of protein sequence and biophysical properties (such as structural, functional, and spatial information, amino acid conservation, physicochemical variation, residue mobility, and thermodynamic stability) indicates that this missense variant is expected to disrupt TMEM67 protein function with a positive predictive value of 95%. For these reasons, this variant has been classified as Pathogenic.

GeneDx
Classification: Pathogenic. Last evaluated: 2022-09-23. Review status: criteria provided, single submitter. Criteria: GeneDx Variant Classification Process June 2021. Collection method: clinical testing. Allele origin: germline. Affected: yes.
Comment: In silico analysis supports that this missense variant has a deleterious effect on protein structure/function; Not observed at a significant frequency in large population cohorts (gnomAD); This variant is associated with the following publications: (PMID: 20232449, 19058225, 21633164, 25920555, 19574260, 23188109, 26092869, 19508969, 21866095, 28973083, 34426522, 28497568, 29974258, 35005812, 32359821)

Blueprint Genetics
Classification: Pathogenic for TMEM67-related disorders. Last evaluated: 2022-09-02. Review status: criteria provided, single submitter. Criteria: ACMG Guidelines, 2015. Collection method: clinical testing. Allele origin: germline. Affected: yes. Observed: 5 variant alleles.

Fulgent Genetics
Classification: Pathogenic for COACH syndrome 1; RHYNS syndrome; Meckel syndrome, type 3; Joubert syndrome 6; Nephronophthisis 11; Bardet-Biedl syndrome 14. Last evaluated: 2021-12-25. Review status: criteria provided, single submitter. Criteria: ACMG Guidelines, 2015. Collection method: clinical testing. Allele origin: unknown.

Women's Health and Genetics/Laboratory Corporation of America, LabCorp
Classification: Pathogenic for Joubert syndrome and related disorders. Last evaluated: 2021-12-18. Review status: criteria provided, single submitter. Criteria: LabCorp Variant Classification Summary - May 2015. Collection method: clinical testing. Allele origin: germline.
Comment: Variant summary: TMEM67 c.2498T>C (p.Ile833Thr) results in a non-conservative amino acid change in the encoded protein sequence. Five of five in-silico tools predict a damaging effect of the variant on protein function. The variant allele was found at a frequency of 4e-05 in 251186 control chromosomes. This frequency is not significantly higher than expected for a pathogenic variant in TMEM67 causing Joubert Syndrome And Related Disorders (4e-05 vs 0.0018), allowing no conclusion about variant significance. c.2498T>C has been reported in the literature as a compound heterozygous genotype in multiple individuals affected with Joubert Syndrome And Related Disorders (example, Brancati_2009, Iannicelli_2010, Vilboux_2017). These data indicate that the variant is very likely to be associated with disease. To our knowledge, no experimental evidence demonstrating an impact on protein function has been reported. Eight clinical diagnostic laboratories have submitted clinical-significance assessments for this variant to ClinVar after 2014 without evidence for independent evaluation. All laboratories classified the variant as pathogenic/likely pathogenic. Based on the evidence outlined above, the variant was classified as pathogenic.

Department of Pathology and Laboratory Medicine, Sinai Health System
Classification: Pathogenic for RHYNS syndrome; COACH syndrome 1; Nephronophthisis 11; Joubert syndrome 6. Last evaluated: 2021-10-16. Review status: criteria provided, single submitter. Criteria: ACMG Guidelines, 2015. Collection method: research. Allele origin: germline.

CeGaT Center for Human Genetics Tuebingen
Classification: Pathogenic. Last evaluated: 2020-12-01. Review status: criteria provided, single submitter. Criteria: CeGaT Center For Human Genetics Tuebingen Variant Classification Criteria Version 2. Collection method: clinical testing. Allele origin: germline. Affected: yes. Observed: 3 variant alleles.

Revvity Omics, Revvity
Classification: Pathogenic. Last evaluated: 2019-10-08. Review status: criteria provided, single submitter. Criteria: ACMG Guidelines, 2015. Collection method: clinical testing. Allele origin: germline.

Broad Center for Mendelian Genomics, Broad Institute of MIT and Harvard
Classification: Likely pathogenic for Joubert syndrome 6. Last evaluated: 2018-12-03. Review status: criteria provided, single submitter. Criteria: ACMG Guidelines, 2015. Collection method: research. Allele origin: germline. Inheritance: Autosomal recessive inheritance. Affected: yes.
Comment: This variant has been reported pathogenic by OMIM in ClinVar (Variation ID: 1378) and has been identified in 0.007909% (10/126438) of European (non-Finnish) chromosomes by the Genome Aggregation Database (gnomAD; dbSNP rs267607119). Although this variant has been seen in the general population, its frequency is low enough to be consistent with a recessive carrier frequency. Computational prediction tools and conservation analyses suggest that this variant may impact the protein, though this information is not predictive enough to determine pathogenicity. The p.Ile833Thr variant in TMEM67 has been reported in 10 individuals from a variety of ethnic backgrounds (Egypt, Croatia, Belgium, Japan, Germany) with Joubert syndrome and segregated with disease in 2 affected relatives from 1 family (PMID: 26092869, 19058225, 21633164, 19508969). The presence of this variant in combination with 4 variants (all reported pathogenic by the literature/OMIM in ClinVar and 1 reported pathogenic in ClinVar by additional submitters) and in 4 individuals with Joubert syndrome increases the likelihood that the p.Ile833Thr variant is pathogenic. In summary, although additional studies are required to fully establish its clinical significance, this variant is likely pathogenic. ACMG/AMP Criteria applied: PM2, PM3_Strong, PP1, PP3 (Richards 2015).

Institute of Human Genetics Munich, TUM University Hospital
Classification: Pathogenic for Meckel syndrome, type 3. Last evaluated: 2018-05-23. Review status: criteria provided, single submitter. Criteria: Classification criteria August 2017. Collection method: clinical testing. Allele origin: paternal. Inheritance: Autosomal recessive inheritance. Affected: yes. Observed: 1 compound heterozygote.

UW Hindbrain Malformation Research Program, University of Washington
Classification: Pathogenic for Joubert syndrome 6. Last evaluated: 2015-02-23. Review status: criteria provided, single submitter. Criteria: Bachmann-Gagescu et al. (J Med Genet. 2015). Collection method: research. Allele origin: unknown. Affected: yes.

Rady Children's Institute for Genomic Medicine, Rady Children's Hospital San Diego
Classification: Pathogenic for TMEM67-related disorders. Review status: criteria provided, single submitter. Criteria: ACMG Guidelines, 2015. Collection method: clinical testing. Allele origin: germline.
Comment: This variant affects a highly conserved amino acid and is predicted by multiple in silico tools to have a deleterious effect on protein function. The c.2498T>C (p.Ile833Thr) variant has been previously reported as a compound heterozygous change in patients with TMEM67-related disorders (PMID: 19058225, 21866095, 21633164, 26092869, 28973083, 28497568, 29974258, 32359821, 34426522, 35005812). The c.2498T>C (p.Ile833Thr) variant is present in the heterozygous state in the gnomAD population database at a frequency of 0.004% (12/282526), and is absent in the homozygous state, thus is presumed to be rare. Based on the available evidence, c.2498T>C (p.Ile833Thr) is classified as Pathogenic.

OMIM
Classification: Pathogenic for COACH SYNDROME. Last evaluated: 2011-07-01. Review status: no assertion criteria provided. Collection method: literature only. Allele origin: germline. Not counted in ClinVar's aggregate classification.

OMIM
Classification: Pathogenic for JOUBERT SYNDROME 6. Last evaluated: 2011-07-01. Review status: no assertion criteria provided. Collection method: literature only. Allele origin: germline. Not counted in ClinVar's aggregate classification.

Literature cited by the submitters: PubMed 19058225 (cited by 4 submitters); PubMed 21866095 (cited by Labcorp Genetics (formerly Invitae), Labcorp); PubMed 26092869 (cited by Labcorp Genetics (formerly Invitae), Labcorp and Broad Center for Mendelian Genomics, Broad Institute of MIT and Harvard); PubMed 28497568 (cited by Labcorp Genetics (formerly Invitae), Labcorp); PubMed 28973083 (cited by Labcorp Genetics (formerly Invitae), Labcorp); PubMed 28125082 (cited by Women's Health and Genetics/Laboratory Corporation of America, LabCorp); PubMed 20232449 (cited by Women's Health and Genetics/Laboratory Corporation of America, LabCorp); PubMed 21633164 (cited by Broad Center for Mendelian Genomics, Broad Institute of MIT and Harvard and OMIM); PubMed 19508969 (cited by Broad Center for Mendelian Genomics, Broad Institute of MIT and Harvard and OMIM); PubMed 2929661 (cited by OMIM); PubMed 19574260 (cited by OMIM).

NM_153704.6(TMEM67):c.2498T>C (p.Ile833Thr)

Gene: TMEM67 (transmembrane protein 67; plus strand). Cytogenetic location: 8q22.1.
Variant type: single nucleotide variant.
Coding change: c.2498T>C on transcript NM_153704.6 (MANE Select); coding-DNA position 2498, T replaced by C.
Protein change: p.Ile833Thr; replaces isoleucine 833 with threonine.
Molecular consequence: missense variant. On other transcripts: non-coding transcript variant (1).
Genome position (GRCh38, 1-based): chr8:93,808,898, T>C. VCF-style: chr8-93808898-T-C. GRCh37 (hg19) VCF-style: chr8-94821126-T-C.
Other names: c.2255T>C, p.Ile752Thr (NM_001142301.1); short protein forms I833T, I752T.
Identifiers: ClinVar variation 1378 (VCV000001378.70), dbSNP rs267607119, ClinGen allele CA210657.